The following is an entry in ClinVar:

ClinVar aggregate classification (germline): Likely pathogenic (1 of 4 stars; one submission).

Conditions:
Hereditary nonpolyposis colorectal neoplasms. Identifiers: MedGen C0009405, MeSH D003123.

Submission:

Labcorp Genetics (formerly Invitae), Labcorp
Classification: Likely pathogenic for Hereditary nonpolyposis colorectal neoplasms. Last evaluated: 2021-02-02. Review status: criteria provided, single submitter. Criteria: Invitae Variant Classification Sherloc (09022015). Collection method: clinical testing. Allele origin: germline.
Comment: In summary, the currently available evidence indicates that the variant is pathogenic, but additional data are needed to prove that conclusively. Therefore, this variant has been classified as Likely Pathogenic. This variant has not been reported in the literature in individuals with PMS2-related conditions. This variant is not present in population databases (ExAC no frequency). This variant results in the deletion of part of exon 10 (c.354-41_514del) of the PMS2 gene. It is expected to disrupt RNA splicing. Variants that disrupt the donor or acceptor splice site typically lead to a loss of protein function (PMID: 16199547), and loss-of-function variants in PMS2 are known to be pathogenic (PMID: 21376568, 24362816).

Literature cited by the submitters: PubMed 16199547; PubMed 21376568; PubMed 24362816.

NM_000535.7(PMS2):c.354-41_514del

Gene: PMS2 (PMS1 homolog 2, mismatch repair system component; minus strand). Cytogenetic location: 7p22.1.
Variant type: Deletion.
Coding change: c.354-41_514del on transcript NM_000535.7 (MANE Select); 41 bases into the intron before coding-DNA position 354 through coding-DNA position 514, 202 bases deleted.
Molecular consequence: splice acceptor variant. On other transcripts: frameshift variant (1), initiator codon variant (7).
Genome position (GRCh38, 1-based): chr7:6,002,476-6,002,677, 202 bases deleted. GRCh37 (hg19): chr7:6,042,108-6,042,309.
Other names: c.4_205del, p.Gly2fs (NM_001322015.2); c.36-41_196del (NM_001322008.2, NM_001322007.2); c.-52-41_109del (NM_001322010.2, NM_001322004.2, NM_001322013.2 and 3 more transcripts); c.-531-41_-371del (NM_001322012.2, NM_001322011.2); c.354-41_514del (NM_001322006.2, NM_001322014.2); short protein forms G2fs.
Identifiers: ClinVar variation 1502245 (VCV001502245.6), dbSNP rs2128815961, ClinGen allele CA2573141965.